The following is an entry in ClinVar:

NM_016373.4(WWOX):c.1176G>T (p.Glu392Asp)

Genes: MAF (MAF bZIP transcription factor; minus strand), WWOX (WW domain containing oxidoreductase; plus strand). Cytogenetic location: 16q23.2.
Variant type: single nucleotide variant.
Coding change: c.1176G>T on transcript NM_016373.4 (MANE Select); coding-DNA position 1176, G replaced by T.
Protein change: p.Glu392Asp; replaces glutamic acid 392 with aspartic acid.
Molecular consequence: missense variant.
Genome position (GRCh38, 1-based): chr16:79,211,727, G>T. VCF-style: chr16-79211727-G-T. GRCh37 (hg19) VCF-style: chr16-79245624-G-T.
Other names: c.837G>T, p.Glu279Asp (NM_001291997.2); short protein forms E279D, E392D.
Identifiers: ClinVar variation 1479488 (VCV001479488.6), dbSNP rs763482100, ClinGen allele CA396537217.
Genomic context (GRCh38, chr16:79,211,727, plus strand): 5'-AGGGATGTACTTCAACAACTGCTGCCGCTGCATGCCCTCACCAGAAGCTCAGAGCGAAGA[G>T]ACGGCCCGGACCCTGTGGGCGCTCAGCGAGAGGCTGATCCAAGAACGGCTTGGCAGCCAG-3'
Protein context (NP_057457.1, residues 382-402): CMPSPEAQSE[Glu392Asp]TARTLWALSE

ClinVar aggregate classification (germline): Uncertain significance (1 of 4 stars; one submission).

Conditions:
Developmental and epileptic encephalopathy, 1 (DEE1). Also called: X-linked infantile spasms; West's syndrome; Tonic spasms with clustering, arrest of psychomotor development and hypsarrhythmia on EEG; X-Linked Infantile Spasm Syndrome; OHTAHARA SYNDROME, X-LINKED; INFANTILE SPASM SYNDROME, X-LINKED 1. Identifiers: MedGen C3463992, MONDO:0010632, OMIM 308350. Disease mechanism: loss of function.
Autosomal recessive spinocerebellar ataxia 12. Also called: SPINOCEREBELLAR ATAXIA WITH MENTAL RETARDATION AND EPILEPSY. Identifiers: Orphanet 284282, MedGen C3280452, MONDO:0013687, OMIM 614322.

gnomAD v4.1: 2 of 1,614,248 alleles (0.00012%); highest among the groups gnomAD compares: Non-Finnish European, 0.00017%; no homozygotes.

Submission:

Labcorp Genetics (formerly Invitae), Labcorp
Classification: Uncertain significance for Developmental and epileptic encephalopathy, 1; Autosomal recessive spinocerebellar ataxia 12. Last evaluated: 2021-02-12. Review status: criteria provided, single submitter. Criteria: Invitae Variant Classification Sherloc (09022015). Collection method: clinical testing. Allele origin: germline.
Comment: In summary, the available evidence is currently insufficient to determine the role of this variant in disease. Therefore, it has been classified as a Variant of Uncertain Significance. Algorithms developed to predict the effect of missense changes on protein structure and function output the following: SIFT: "Not Available"; PolyPhen-2: "Benign"; Align-GVGD: "Not Available". The aspartic acid amino acid residue is found in multiple mammalian species, suggesting that this missense change does not adversely affect protein function. These predictions have not been confirmed by published functional studies and their clinical significance is uncertain. This variant has not been reported in the literature in individuals with WWOX-related conditions. This variant is not present in population databases (ExAC no frequency). This sequence change replaces glutamic acid with aspartic acid at codon 392 of the WWOX protein (p.Glu392Asp). The glutamic acid residue is weakly conserved and there is a small physicochemical difference between glutamic acid and aspartic acid.